The following is an entry in ClinVar:

ClinVar aggregate classification (germline): Uncertain significance. Review status: criteria provided, multiple submitters, no conflicts (2 of 4 stars). 2 submissions from 2 submitters: Uncertain significance (2). Last evaluated 2025-11-16.

Conditions:
Cobalamin C disease. Also called: Cobalamin-C methylmalonic acidemia and homocystinuria; Methylmalonic acidemia and homocystinuria cblC type; Methylmalonic aciduria and homocystinuria, Vitamin B12-responsive; Vitamin B12 metabolic defect with combined deficiency of methylmalonyl-CoA mutase and homocysteine:methyltetrahydrofolate methyltransferase; methylmalonic aciduria and homocystinuria type cblC; Methylmalonic aciduria with homocystinuria cblC type. Identifiers: Orphanet 26, Orphanet 79282, MedGen C1848561, MONDO:0010184, OMIM 277400.

Submissions (2):

Labcorp Genetics (formerly Invitae), Labcorp
Classification: Uncertain significance for Cobalamin C disease. Last evaluated: 2025-11-16. Review status: criteria provided, single submitter. Criteria: Invitae Variant Classification Sherloc (09022015). Collection method: clinical testing. Allele origin: germline.
Comment: This sequence change replaces arginine, which is basic and polar, with histidine, which is basic and polar, at codon 112 of the MMACHC protein (p.Arg112His). This variant is present in population databases (rs762885252, gnomAD 0.01%). This variant has not been reported in the literature in individuals affected with MMACHC-related conditions. ClinVar contains an entry for this variant (Variation ID: 4280968). Invitae Evidence Modeling of protein sequence and biophysical properties (such as structural, functional, and spatial information, amino acid conservation, physicochemical variation, residue mobility, and thermodynamic stability) has been performed for this missense variant. However, the output from this modeling did not meet the statistical confidence thresholds required to predict the impact of this variant on MMACHC protein function. In summary, the available evidence is currently insufficient to determine the role of this variant in disease. Therefore, it has been classified as a Variant of Uncertain Significance.

CeGaT Center for Human Genetics Tuebingen
Classification: Uncertain significance. Last evaluated: 2025-09-01. Review status: criteria provided, single submitter. Criteria: CeGaT Center For Human Genetics Tuebingen Variant Classification Criteria Version 2. Collection method: clinical testing. Allele origin: germline. Affected: yes. Observed: 1 variant allele.
Comment: MMACHC: PM2, BP2

NM_015506.3(MMACHC):c.335G>A (p.Arg112His)

Gene: MMACHC (metabolism of cobalamin associated C; plus strand). Cytogenetic location: 1p34.1.
Variant type: single nucleotide variant.
Coding change: c.335G>A on transcript NM_015506.3 (MANE Select); coding-DNA position 335, G replaced by A.
Protein change: p.Arg112His; replaces arginine 112 with histidine.
Molecular consequence: missense variant.
Genome position (GRCh38, 1-based): chr1:45,508,270, G>A. VCF-style: chr1-45508270-G-A. GRCh37 (hg19) VCF-style: chr1-45973942-G-A.
Other names: c.164G>A, p.Arg55His (NM_001330540.2); short protein forms R112H, R55H.
Identifiers: ClinVar variation 4280968 (VCV004280968.8).